The following is an entry in ClinVar:

NM_145868.2(ANXA11):c.474G>T (p.Val158=)

Gene: ANXA11 (annexin A11; minus strand). Cytogenetic location: 10q22.3.
Variant type: single nucleotide variant.
Coding change: c.474G>T on transcript NM_145868.2 (MANE Select); coding-DNA position 474, G replaced by T.
Protein change: p.Val158=; no amino-acid change (valine 158 retained).
Molecular consequence: synonymous variant.
Genome position (GRCh38, 1-based): chr10:80,169,056, C>A on the plus strand (G>T on the coding strand, the complement: ANXA11 is on the minus strand). VCF-style: chr10-80169056-C-A. GRCh37 (hg19) VCF-style: chr10-81928812-C-A.
Other names: p.Val158=; c.474G>T, p.Val158= (NM_001157.3, NM_001278407.2, NM_001278408.2 and 1 more transcripts); c.375G>T, p.Val125= (NM_001278409.2).
Identifiers: ClinVar variation 1603479 (VCV001603479.15), dbSNP rs139412104, ClinGen allele CA5576276.

ClinVar aggregate classification (germline): Benign/Likely benign. Review status: criteria provided, multiple submitters, no conflicts (2 of 4 stars). 5 submissions from 5 submitters: Benign (3); Likely benign (2). Last evaluated 2026-01-27.

Allele frequency attached by ClinVar (database versions not stated): TOPMed 0.00134; gnomAD 0.00150 and 0.00151; gnomAD exomes 0.00162 and 0.00189; 1000 Genomes Project 30x 0.00187; ESP Exome Variant Server 0.00193; 1000 Genomes Project 0.00200; ExAC 0.00242.
gnomAD v4.1: 2,873 of 1,540,414 alleles (0.19%); highest among the groups gnomAD compares: Middle Eastern, 0.48%; 5 homozygotes.

Submissions (5):

Labcorp Genetics (formerly Invitae), Labcorp
Classification: Benign. Last evaluated: 2026-01-27. Review status: criteria provided, single submitter. Criteria: Invitae Variant Classification Sherloc (09022015). Collection method: clinical testing. Allele origin: germline.

CeGaT Center for Human Genetics Tuebingen
Classification: Likely benign. Last evaluated: 2026-01-01. Review status: criteria provided, single submitter. Criteria: CeGaT Center For Human Genetics Tuebingen Variant Classification Criteria Version 2. Collection method: clinical testing. Allele origin: germline. Affected: yes. Observed: 1 variant allele.
Comment: ANXA11: BP4, BS1

Blueprint Genetics
Classification: Likely benign. Last evaluated: 2024-11-19. Review status: criteria provided, single submitter. Criteria: ACMG Guidelines, 2015. Collection method: clinical testing. Allele origin: germline.

Mayo Clinic Laboratories, Mayo Clinic
Classification: Benign. Last evaluated: 2024-04-24. Review status: criteria provided, single submitter. Criteria: ACMG Guidelines, 2015. Collection method: clinical testing. Allele origin: germline. Observed: 3 variant alleles.
Comment: BS1, BS2, BP4, BP7

Breakthrough Genomics
Classification: Benign. Review status: criteria provided, single submitter. Criteria: ACMG Guidelines, 2015. Collection method: not provided. Allele origin: germline. Inheritance: Autosomal dominant inheritance. Affected: yes.